The following is an entry in ClinVar:

NM_018972.4(GDAP1):c.256A>G (p.Ile86Val)

Gene: GDAP1 (ganglioside induced differentiation associated protein 1; plus strand). Cytogenetic location: 8q21.11.
Variant type: single nucleotide variant.
Coding change: c.256A>G on transcript NM_018972.4 (MANE Select); coding-DNA position 256, A replaced by G.
Protein change: p.Ile86Val; replaces isoleucine 86 with valine.
Molecular consequence: missense variant. On other transcripts: intron variant (2).
Genome position (GRCh38, 1-based): chr8:74,351,412, A>G. VCF-style: chr8-74351412-A-G. GRCh37 (hg19) VCF-style: chr8-75263647-A-G.
Other names: c.52A>G, p.Ile18Val (NM_001040875.4); c.256A>G, p.Ile86Val (NM_001362930.2, NM_001362931.2); c.-18+91A>G (NM_001362929.2); c.-18+834A>G (NM_001362932.2); short protein forms I86V, I18V.
Identifiers: ClinVar variation 568895 (VCV000568895.10), dbSNP rs144037310, ClinGen allele CA4785062.

ClinVar aggregate classification (germline): Uncertain significance. Review status: criteria provided, multiple submitters, no conflicts (2 of 4 stars). 4 submissions from 4 submitters: Uncertain significance (4). Last evaluated 2026-03-12.

Conditions:
Charcot-Marie-Tooth disease type 4A. Also called: Charcot-Marie-Tooth disease, demyelinating, autosomal recessive, type 4a. Identifiers: Orphanet 99948, MedGen C1859198, MONDO:0008961, OMIM 214400.
GDAP1-related disorder. Also called: GDAP1-related disorders; GDAP1-related condition.
Inborn genetic diseases. Identifiers: MedGen C0950123, MeSH D030342.

Allele frequency attached by ClinVar (database versions not stated): ExAC 0.00003; gnomAD exomes 0.00004; TOPMed 0.00012; ESP Exome Variant Server 0.00015; gnomAD 0.00015 and 0.00016; 1000 Genomes Project 30x 0.00016; 1000 Genomes Project 0.00020.
gnomAD v4.1: 30 of 1,614,140 alleles (0.0019%); highest among the groups gnomAD compares: African/African-American, 0.039%; no homozygotes.

Submissions (4):

PreventionGenetics, part of Exact Sciences
Classification: Uncertain significance for GDAP1-related condition. Last evaluated: 2026-03-12. Review status: criteria provided, single submitter. Criteria: ACMG Guidelines, 2015. Collection method: clinical testing. Allele origin: germline.
Comment: The GDAP1 c.256A>G variant is predicted to result in the amino acid substitution p.Ile86Val. This variant was reported as a variant of uncertain significance in an individual from a large cohort study of Charcot-Marie-Tooth disease; however, additional evidence was not provided (Supp. Table 2, Volodarsky et al. 2021. PubMed ID: 32376792). This variant is reported in 0.060% of alleles in individuals of African descent in gnomAD. At this time, the clinical significance of this variant is uncertain due to the absence of conclusive functional and genetic evidence.

Labcorp Genetics (formerly Invitae), Labcorp
Classification: Uncertain significance for Charcot-Marie-Tooth disease type 4A. Last evaluated: 2025-03-23. Review status: criteria provided, single submitter. Criteria: Invitae Variant Classification Sherloc (09022015). Collection method: clinical testing. Allele origin: germline.
Comment: This sequence change replaces isoleucine, which is neutral and non-polar, with valine, which is neutral and non-polar, at codon 86 of the GDAP1 protein (p.Ile86Val). This variant is present in population databases (rs144037310, gnomAD 0.05%). This missense change has been observed in individual(s) with Charcot-Marie-Tooth disease (PMID: 32376792). ClinVar contains an entry for this variant (Variation ID: 568895). Invitae Evidence Modeling of protein sequence and biophysical properties (such as structural, functional, and spatial information, amino acid conservation, physicochemical variation, residue mobility, and thermodynamic stability) indicates that this missense variant is not expected to disrupt GDAP1 protein function with a negative predictive value of 80%. In summary, the available evidence is currently insufficient to determine the role of this variant in disease. Therefore, it has been classified as a Variant of Uncertain Significance.

Women's Health and Genetics/Laboratory Corporation of America, LabCorp
Classification: Uncertain significance. Last evaluated: 2023-05-19. Review status: criteria provided, single submitter. Criteria: LabCorp Variant Classification Summary - May 2015. Collection method: clinical testing. Allele origin: germline.
Comment: Variant summary: GDAP1 c.256A>G (p.Ile86Val) results in a conservative amino acid change located in the Glutathione S-transferase, N-terminal domain (IPR004045) of the encoded protein sequence. Four of five in-silico tools predict a benign effect of the variant on protein function. The variant allele was found at a frequency of 3.6e-05 in 251496 control chromosomes. The available data on variant occurrences in the general population are insufficient to allow any conclusion about variant significance. c.256A>G has been reported in the literature in an individual affected with Charcot-Marie Disease (example: Volodarsky_2021). These report(s) do not provide unequivocal conclusions about association of the variant with Charcot-Marie Disease Type 4A. To our knowledge, no experimental evidence demonstrating an impact on protein function has been reported. The following publication has been ascertained in the context of this evaluation (PMID: 32376792). Two clinical diagnostic laboratories have submitted clinical-significance assessments for this variant to ClinVar after 2014 and classified the variant as uncertain significance. Based on the evidence outlined above, the variant was classified as uncertain significance.

Ambry Genetics
Classification: Uncertain significance for Inborn genetic diseases. Last evaluated: 2020-12-31. Review status: criteria provided, single submitter. Criteria: Ambry Variant Classification Scheme 2023. Collection method: clinical testing. Allele origin: germline.
Comment: The p.I86V variant (also known as c.256A>G), located in coding exon 2 of the GDAP1 gene, results from an A to G substitution at nucleotide position 256. The isoleucine at codon 86 is replaced by valine, an amino acid with highly similar properties. This amino acid position is well conserved in available vertebrate species. In addition, this alteration is predicted to be tolerated by in silico analysis. Based on the supporting evidence, this variant is unlikely to be causative of axonal Charcot-Marie-Tooth disease, type 2K (CMT2K); however, its contribution to the development of autosomal recessive spectrum of Charcot-Marie-Tooth diseases is uncertain.

Literature cited by the submitters: PubMed 32376792 (cited by Labcorp Genetics (formerly Invitae), Labcorp and Women's Health and Genetics/Laboratory Corporation of America, LabCorp).